The following is an entry in ClinVar:

ClinVar aggregate classification (germline): Uncertain significance (1 of 4 stars; one submission).

Conditions:
Inclusion body myopathy with early-onset Paget disease with or without frontotemporal dementia 2 (IBMPFD2). Also called: MULTISYSTEM PROTEINOPATHY 2. Identifiers: MedGen C3809468, MONDO:0014178, OMIM 615422.

Allele frequency attached by ClinVar (database versions not stated): gnomAD 0.00001 and 0.00002; ExAC 0.00002; gnomAD exomes 0.00002; TOPMed 0.00005; 1000 Genomes Project 30x 0.00016; 1000 Genomes Project 0.00020.
gnomAD v4.1: 30 of 1,613,640 alleles (0.0019%); highest among the groups gnomAD compares: South Asian, 0.014%; no homozygotes.

Submission:

Labcorp Genetics (formerly Invitae), Labcorp
Classification: Uncertain significance for Inclusion body myopathy with early-onset Paget disease with or without frontotemporal dementia 2. Last evaluated: 2025-12-02. Review status: criteria provided, single submitter. Criteria: Invitae Variant Classification Sherloc (09022015). Collection method: clinical testing. Allele origin: germline.
Comment: This sequence change falls in intron 10 of the HNRNPA2B1 gene. It does not directly change the encoded amino acid sequence of the HNRNPA2B1 protein. It affects a nucleotide within the consensus splice site. This variant is present in population databases (rs111258330, gnomAD 0.02%). This variant has not been reported in the literature in individuals affected with HNRNPA2B1-related conditions. ClinVar contains an entry for this variant (Variation ID: 1406853). Variants that disrupt the consensus splice site are a relatively common cause of aberrant splicing (PMID: 17576681, 9536098). Algorithms developed to predict the effect of sequence changes on RNA splicing suggest that this variant is not likely to affect RNA splicing. In summary, the available evidence is currently insufficient to determine the role of this variant in disease. Therefore, it has been classified as a Variant of Uncertain Significance.

Literature cited by the submitters: PubMed 17576681; PubMed 9536098.

NM_002137.4(HNRNPA2B1):c.965-3T>C

Gene: HNRNPA2B1 (heterogeneous nuclear ribonucleoprotein A2/B1; minus strand). Cytogenetic location: 7p15.2.
Variant type: single nucleotide variant.
Coding change: c.965-3T>C on transcript NM_002137.4 (MANE Select); 3 bases into the intron before coding-DNA position 965, T replaced by C.
Molecular consequence: intron variant.
Genome position (GRCh38, 1-based): chr7:26,192,580, A>G on the plus strand (T>C on the coding strand, the complement: HNRNPA2B1 is on the minus strand). VCF-style: chr7-26192580-A-G. GRCh37 (hg19) VCF-style: chr7-26232200-A-G.
Other names: c.845-3T>C (NM_001438578.1, NM_001438576.1, NM_001438575.1 and 1 more transcripts); c.965-3T>C (NM_001438571.1, NM_001438572.1, NM_001438063.1); c.881-3T>C (NM_001438574.1, NM_001438573.1); c.1001-3T>C (NM_001438568.1, NM_001438570.1, NM_001438569.1 and 1 more transcripts).
Identifiers: ClinVar variation 1406853 (VCV001406853.6), dbSNP rs111258330, ClinGen allele CA4194376.